The following is an entry in ClinVar:

ClinVar aggregate classification (germline): Uncertain significance (1 of 4 stars; one submission).

Conditions:
Cardiomyopathy (CMYO). Also called: Cardiomyopathies. Identifiers: Orphanet 167848, MedGen C0878544, MONDO:0004994, HP:0001638. Inheritance: Various modes of inheritance.

Submission:

Color Diagnostics, LLC DBA Color Health
Classification: Uncertain significance for Cardiomyopathy. Last evaluated: 2021-08-30. Review status: criteria provided, single submitter. Criteria: ACMG Guidelines, 2015. Collection method: clinical testing. Allele origin: germline.
Comment: This variant causes a G to C nucleotide substitution at the -11 position of intron 16 of the DSP gene. Splice prediction tools and conservation analysis are inconclusive regarding the impact of this variant on RNA splicing. To our knowledge, functional studies have not been reported for this variant. This variant has not been reported in individuals affected with cardiovascular disorders in the literature. This variant has not been identified in the general population by the Genome Aggregation Database (gnomAD). The available evidence is insufficient to determine the role of this variant in disease conclusively. Therefore, this variant is classified as a Variant of Uncertain Significance.

NM_004415.4(DSP):c.2298-11G>C

Gene: DSP (desmoplakin; plus strand). Cytogenetic location: 6p24.3.
Variant type: single nucleotide variant.
Coding change: c.2298-11G>C on transcript NM_004415.4 (MANE Select); 11 bases into the intron before coding-DNA position 2298, G replaced by C.
Molecular consequence: intron variant.
Genome position (GRCh38, 1-based): chr6:7,574,646, G>C. VCF-style: chr6-7574646-G-C. GRCh37 (hg19) VCF-style: chr6-7574879-G-C.
Other names: c.2298-11G>C (NM_001319034.2, NM_001008844.3).
Identifiers: ClinVar variation 2775283 (VCV002775283.2), dbSNP rs2533905824, ClinGen allele CA2697546623.
Genomic context (GRCh38, chr6:7,574,646, plus strand): 5'-CTGTGAGAGGCAAATCTTCACAGACTAATTATGTCACTGGCAATTTTATGTGCTTCTTTT[G>C]CTCTTTCCAGCTTATGCACAGTAAGGGCACTGCTCCAGGCTATTCTCCAAACAGAAGACA-3'